The following is an entry in ClinVar:

NM_000843.4(GRM6):c.785A>C (p.Lys262Thr)

Gene: GRM6 (glutamate metabotropic receptor 6; minus strand). Cytogenetic location: 5q35.3.
Variant type: single nucleotide variant.
Coding change: c.785A>C on transcript NM_000843.4 (MANE Select); coding-DNA position 785, A replaced by C.
Protein change: p.Lys262Thr; replaces lysine 262 with threonine.
Molecular consequence: missense variant.
Genome position (GRCh38, 1-based): chr5:178,991,496, T>G on the plus strand (A>C on the coding strand, the complement: GRM6 is on the minus strand). VCF-style: chr5-178991496-T-G. GRCh37 (hg19) VCF-style: chr5-178418497-T-G.
Other names: short protein forms K262T.
Identifiers: ClinVar variation 1973648 (VCV001973648.5), dbSNP rs1422441869, ClinGen allele CA362433056.

ClinVar aggregate classification (germline): Uncertain significance (1 of 4 stars; one submission).

Allele frequency attached by ClinVar (database versions not stated): TOPMed 0.00001; gnomAD 0.00001.
gnomAD v4.1: 1 of 1,613,414 alleles (0.000062%); highest among the groups gnomAD compares: Non-Finnish European, 0.000085%; no homozygotes.

Submission:

Labcorp Genetics (formerly Invitae), Labcorp
Classification: Uncertain significance. Last evaluated: 2025-10-20. Review status: criteria provided, single submitter. Criteria: Invitae Variant Classification Sherloc (09022015). Collection method: clinical testing. Allele origin: germline.
Comment: This sequence change replaces lysine, which is basic and polar, with threonine, which is neutral and polar, at codon 262 of the GRM6 protein (p.Lys262Thr). This variant is not present in population databases (gnomAD no frequency). This variant has not been reported in the literature in individuals affected with GRM6-related conditions. ClinVar contains an entry for this variant (Variation ID: 1973648). Invitae Evidence Modeling of protein sequence and biophysical properties (such as structural, functional, and spatial information, amino acid conservation, physicochemical variation, residue mobility, and thermodynamic stability) indicates that this missense variant is not expected to disrupt GRM6 protein function with a negative predictive value of 95%. In summary, the available evidence is currently insufficient to determine the role of this variant in disease. Therefore, it has been classified as a Variant of Uncertain Significance.